The following is an entry in ClinVar:

NM_033087.4(ALG2):c.1115C>T (p.Ala372Val)

Gene: ALG2 (ALG2 alpha-1,3/1,6-mannosyltransferase; minus strand). Cytogenetic location: 9q22.33.
Variant type: single nucleotide variant.
Coding change: c.1115C>T on transcript NM_033087.4 (MANE Select); coding-DNA position 1115, C replaced by T.
Protein change: p.Ala372Val; replaces alanine 372 with valine.
Molecular consequence: missense variant. On other transcripts: non-coding transcript variant (1).
Genome position (GRCh38, 1-based): chr9:99,218,070, G>A on the plus strand (C>T on the coding strand, the complement: ALG2 is on the minus strand). VCF-style: chr9-99218070-G-A. GRCh37 (hg19) VCF-style: chr9-101980352-G-A.
Other names: short protein forms A372V.
Identifiers: ClinVar variation 1027185 (VCV001027185.6), dbSNP rs762887574, ClinGen allele CA5156209.

ClinVar aggregate classification (germline): Uncertain significance (1 of 4 stars; one submission).

Conditions:
Congenital myasthenic syndrome 14. Also called: Myasthenic syndrome, congenital, 14, with tubular aggregates. Identifiers: Orphanet 353327, Orphanet 590, MedGen C4015597, MONDO:0014543, OMIM 616228.
Congenital disorder of glycosylation, type Ii. Also called: ALG2-CDG; CDG Ii; ALG2-congenital disorder of glycosylation. Identifiers: Orphanet 79326, MedGen C1842836, MONDO:0011933, OMIM 607906.

Allele frequency attached by ClinVar (database versions not stated): gnomAD exomes below 0.00001; TOPMed 0.00002; ExAC 0.00001; gnomAD 0.00001.

Submission:

Labcorp Genetics (formerly Invitae), Labcorp
Classification: Uncertain significance for Congenital disorder of glycosylation, type Ii; Congenital myasthenic syndrome 14. Last evaluated: 2022-02-03. Review status: criteria provided, single submitter. Criteria: Invitae Variant Classification Sherloc (09022015). Collection method: clinical testing. Allele origin: germline.
Comment: This sequence change replaces alanine, which is neutral and non-polar, with valine, which is neutral and non-polar, at codon 372 of the ALG2 protein (p.Ala372Val). This variant is present in population databases (rs762887574, gnomAD 0.007%). This variant has not been reported in the literature in individuals affected with ALG2-related conditions. ClinVar contains an entry for this variant (Variation ID: 1027185). Algorithms developed to predict the effect of missense changes on protein structure and function are either unavailable or do not agree on the potential impact of this missense change (SIFT: "Deleterious"; PolyPhen-2: "Possibly Damaging"; Align-GVGD: "Class C0"). Algorithms developed to predict the effect of sequence changes on RNA splicing suggest that this variant may create or strengthen a splice site. In summary, the available evidence is currently insufficient to determine the role of this variant in disease. Therefore, it has been classified as a Variant of Uncertain Significance.